The following is an entry in ClinVar:

NM_006949.4(STXBP2):c.1582G>T (p.Ala528Ser)

Gene: STXBP2 (syntaxin binding protein 2; plus strand). Cytogenetic location: 19p13.2.
Variant type: single nucleotide variant.
Coding change: c.1582G>T on transcript NM_006949.4 (MANE Select); coding-DNA position 1582, G replaced by T.
Protein change: p.Ala528Ser; replaces alanine 528 with serine.
Molecular consequence: missense variant. On other transcripts: non-coding transcript variant (1).
Genome position (GRCh38, 1-based): chr19:7,647,397, G>T. VCF-style: chr19-7647397-G-T. GRCh37 (hg19) VCF-style: chr19-7712283-G-T.
Other names: c.1573G>T, p.Ala525Ser (NM_001127396.3); c.1615G>T, p.Ala539Ser (NM_001272034.2); short protein forms A539S, A525S, A528S.
Identifiers: ClinVar variation 1372586 (VCV001372586.6), dbSNP rs1171695512, ClinGen allele CA403162013.
Genomic context (GRCh38, chr19:7,647,397, plus strand): 5'-GCCCCTGCCCTGCACAGTGCCCGCTTCGGTCACTGGCACAAGAACAAGGCTGGCATAGAA[G>T]CCCGGGCGGGCCCCCGGCTCATCGTGTATGTCATGGGCGGTGTGGCCATGTCAGAGATGA-3'
Protein context (NP_008880.2, residues 518-538): HWHKNKAGIE[Ala528Ser]RAGPRLIVYV

ClinVar aggregate classification (germline): Uncertain significance (1 of 4 stars; one submission).

Conditions:
Familial hemophagocytic lymphohistiocytosis 5. Also called: STXBP2-Related Familial Hemophagocytic Lymphohistiocytosis (STXBP2-fHLH). Identifiers: Orphanet 540, MedGen C2751293, MONDO:0013135, OMIM 613101.

gnomAD v4.1: 10 of 1,613,510 alleles (0.00062%); highest among the groups gnomAD compares: Non-Finnish European, 0.00085%; no homozygotes.

Submission:

Labcorp Genetics (formerly Invitae), Labcorp
Classification: Uncertain significance for Familial hemophagocytic lymphohistiocytosis 5. Last evaluated: 2025-07-13. Review status: criteria provided, single submitter. Criteria: Invitae Variant Classification Sherloc (09022015). Collection method: clinical testing. Allele origin: germline.
Comment: This sequence change replaces alanine, which is neutral and non-polar, with serine, which is neutral and polar, at codon 528 of the STXBP2 protein (p.Ala528Ser). This variant is not present in population databases (gnomAD no frequency). This variant has not been reported in the literature in individuals affected with STXBP2-related conditions. ClinVar contains an entry for this variant (Variation ID: 1372586). Invitae Evidence Modeling of protein sequence and biophysical properties (such as structural, functional, and spatial information, amino acid conservation, physicochemical variation, residue mobility, and thermodynamic stability) indicates that this missense variant is not expected to disrupt STXBP2 protein function with a negative predictive value of 95%. In summary, the available evidence is currently insufficient to determine the role of this variant in disease. Therefore, it has been classified as a Variant of Uncertain Significance.